The following is an entry in ClinVar:

ClinVar aggregate classification (germline): Uncertain significance (1 of 4 stars; one submission).

Conditions:
Inborn genetic diseases. Identifiers: MedGen C0950123, MeSH D030342.

Allele frequency attached by ClinVar (database versions not stated): ExAC 0.00001; gnomAD 0.00001; gnomAD exomes 0.00001; TOPMed 0.00001.
gnomAD v4.1: 8 of 1,209,514 alleles (0.00066%); highest among the groups gnomAD compares: South Asian, 0.0035%; no homozygotes.

Submission:

Ambry Genetics
Classification: Uncertain significance for Inborn genetic diseases. Last evaluated: 2017-10-11. Review status: criteria provided, single submitter. Criteria: Ambry Variant Classification Scheme 2023. Collection method: clinical testing. Allele origin: germline.
Comment: The p.T775M variant (also known as c.2324C>T), located in coding exon 5 of the NLGN4X gene, results from a C to T substitution at nucleotide position 2324. The threonine at codon 775 is replaced by methionine, an amino acid with similar properties. This amino acid position is highly conserved in available vertebrate species. In addition, this alteration is predicted to be tolerated by in silico analysis. Since supporting evidence is limited at this time, the clinical significance of this alteration remains unclear.

NM_181332.3(NLGN4X):c.2324C>T (p.Thr775Met)

Gene: NLGN4X (neuroligin 4 X-linked; minus strand). Cytogenetic location: Xp22.32.
Variant type: single nucleotide variant.
Coding change: c.2324C>T on transcript NM_181332.3 (MANE Select); coding-DNA position 2324, C replaced by T.
Protein change: p.Thr775Met; replaces threonine 775 with methionine.
Molecular consequence: missense variant.
Genome position (GRCh38, 1-based): chrX:5,892,944, G>A on the plus strand (C>T on the coding strand, the complement: NLGN4X is on the minus strand). VCF-style: chrX-5892944-G-A. GRCh37 (hg19) VCF-style: chrX-5810985-G-A.
Other names: c.2324C>T, p.Thr775Met (NM_001282145.2, NM_001282146.2, NM_020742.4); short protein forms T775M.
Identifiers: ClinVar variation 521439 (VCV000521439.7), dbSNP rs746531523, ClinGen allele CA10340895.
Genomic context (GRCh38, chrX:5,892,944, plus strand): 5'-AAAGTGTGCAAAGGCTGCATCCCCGTCAGTGTGTTTGGAATCATGGTGATGGTGTTTGGC[G>A]TCATAAGTGGGATGTCATCTGGCGACCGGCGCAGCGTGAGGGTGTAGTCTGGCGGGCAGG-3'
Protein context (NP_851849.1, residues 765-785): RRSPDDIPLM[Thr775Met]PNTITMIPNT